The following is an entry in ClinVar:

NM_001318510.2(ACSL4):c.386G>C (p.Cys129Ser)

Gene: ACSL4 (acyl-CoA synthetase long chain family member 4; minus strand). Cytogenetic location: Xq23.
Variant type: single nucleotide variant.
Coding change: c.386G>C on transcript NM_001318510.2 (MANE Select); coding-DNA position 386, G replaced by C.
Protein change: p.Cys129Ser; replaces cysteine 129 with serine.
Molecular consequence: missense variant.
Genome position (GRCh38, 1-based): chrX:109,682,739, C>G on the plus strand (G>C on the coding strand, the complement: ACSL4 is on the minus strand). VCF-style: chrX-109682739-C-G. GRCh37 (hg19) VCF-style: chrX-108925968-C-G.
Other names: c.509G>C, p.Cys170Ser (NM_001318509.2, NM_022977.3); c.386G>C, p.Cys129Ser (NM_004458.3); short protein forms C129S, C170S.
Identifiers: ClinVar variation 1695311 (VCV001695311.34), dbSNP rs2147448072, ClinGen allele CA414218468.
Genomic context (GRCh38, chrX:109,682,739, plus strand): 5'-AGACCCTCCTCTCCCCCCTCCAAAAACACAAGGCACTTACGAGGAAAGTTGTACTTAAAG[C>G]AGGTCTGTGCTGCAATCATCCATTCGGCCCTGGTCTCACAGAAGATGGCAATGGTGTTCT-3'
Protein context (NP_001305439.1, residues 119-139): RAEWMIAAQT[Cys129Ser]FKYNFPLVTL

ClinVar aggregate classification (germline): Conflicting classifications of pathogenicity. Review status: criteria provided, conflicting classifications (1 of 4 stars). 3 submissions from 3 submitters: Uncertain significance (1); Likely benign (1). 1 of the submissions does not count toward it. Last evaluated 2026-05-01.

Conditions:
Inborn genetic diseases. Identifiers: MedGen C0950123, MeSH D030342.
Intellectual developmental disorder, X-linked 63. Also called: MENTAL RETARDATION, X-LINKED 68; Intellectual disability, X-linked 63. Identifiers: Orphanet 777, MedGen C1845672, MONDO:0010313, OMIM 300387.

Allele frequency attached by ClinVar (database versions not stated): gnomAD exomes below 0.00001.

Submissions (3):

CeGaT Center for Human Genetics Tuebingen
Classification: Likely benign. Last evaluated: 2026-05-01. Review status: criteria provided, single submitter. Criteria: CeGaT Center For Human Genetics Tuebingen Variant Classification Criteria Version 2. Collection method: clinical testing. Allele origin: germline. Affected: yes. Observed: 2 variant alleles.
Comment: ACSL4: BS2

Ambry Genetics
Classification: Uncertain significance for Inborn genetic diseases. Last evaluated: 2017-12-27. Review status: criteria provided, single submitter. Criteria: Ambry Variant Classification Scheme 2023. Collection method: clinical testing. Allele origin: germline.
Comment: The p.C129S variant (also known as c.386G>C), located in coding exon 2 of the ACSL4 gene, results from a G to C substitution at nucleotide position 386. The cysteine at codon 129 is replaced by serine, an amino acid with dissimilar properties. This amino acid position is highly conserved in available vertebrate species. In addition, this alteration is predicted to be deleterious by in silico analysis. Since supporting evidence is limited at this time, the clinical significance of this alteration remains unclear.

Clinical Genetics Laboratory, University Hospital Schleswig-Holstein
Classification: Uncertain significance for Intellectual developmental disorder, X-linked 63. Last evaluated: 2024-10-24. Review status: no assertion criteria provided. Collection method: clinical testing. Allele origin: maternal. Affected: yes. Not counted in ClinVar's aggregate classification.